The following is an entry in ClinVar:

ClinVar aggregate classification (germline): Likely pathogenic (1 of 4 stars; one submission).

Conditions:
Propionic acidemia (PROP). Also called: GLYCINEMIA, KETOTIC; HYPERGLYCINEMIA WITH KETOACIDOSIS AND LEUKOPENIA; KETOTIC HYPERGLYCINEMIA. Identifiers: Orphanet 35, MedGen C0268579, MONDO:0011628, OMIM 606054, HP:0003571.

Submission:

Labcorp Genetics (formerly Invitae), Labcorp
Classification: Likely pathogenic for Propionic acidemia. Last evaluated: 2022-12-29. Review status: criteria provided, single submitter. Criteria: Invitae Variant Classification Sherloc (09022015). Collection method: clinical testing. Allele origin: germline.
Comment: In summary, the currently available evidence indicates that the variant is pathogenic, but additional data are needed to prove that conclusively. Therefore, this variant has been classified as Likely Pathogenic. This sequence change affects an acceptor splice site in intron 12 of the PCCB gene. It is expected to disrupt RNA splicing. Variants that disrupt the donor or acceptor splice site typically lead to a loss of protein function (PMID: 16199547), and loss-of-function variants in PCCB are known to be pathogenic (PMID: 15464417). This variant is not present in population databases (gnomAD no frequency). This variant has not been reported in the literature in individuals affected with PCCB-related conditions. Algorithms developed to predict the effect of sequence changes on RNA splicing suggest that this variant may disrupt the consensus splice site.

Literature cited by the submitters: PubMed 16199547; PubMed 15464417.

NM_000532.5(PCCB):c.1300-1G>C

Gene: PCCB (propionyl-CoA carboxylase subunit beta; plus strand). Cytogenetic location: 3q22.3.
Variant type: single nucleotide variant.
Coding change: c.1300-1G>C on transcript NM_000532.5 (MANE Select); the canonical splice acceptor site of the intron before coding-DNA position 1300, G replaced by C.
Molecular consequence: splice acceptor variant.
Genome position (GRCh38, 1-based): chr3:136,327,633, G>C. VCF-style: chr3-136327633-G-C. GRCh37 (hg19) VCF-style: chr3-136046475-G-C.
Other names: c.1360-1G>C (NM_001178014.2).
Identifiers: ClinVar variation 2824755 (VCV002824755.3), dbSNP rs766240417, ClinGen allele CA354649265.
Genomic context (GRCh38, chr3:136,327,633, plus strand): 5'-CTTTCAGGGACATGATCTGGCTGTCTCAGGCTCTAACACTCAGCATTTGGATCTGTTTTA[G>C]GCCTATGGAGGTGCCTATGATGTCATGAGCTCTAAGCACCTTTGTGGTGATACCAACTAT-3'